The following is an entry in ClinVar:

NM_001197104.2(KMT2A):c.8632C>T (p.Leu2878=)

Gene: KMT2A (lysine methyltransferase 2A; plus strand). Cytogenetic location: 11q23.3.
Variant type: single nucleotide variant.
Coding change: c.8632C>T on transcript NM_001197104.2 (MANE Select); coding-DNA position 8632, C replaced by T.
Protein change: p.Leu2878=; no amino-acid change (leucine 2878 retained).
Molecular consequence: synonymous variant.
Genome position (GRCh38, 1-based): chr11:118,504,524, C>T. VCF-style: chr11-118504524-C-T. GRCh37 (hg19) VCF-style: chr11-118375239-C-T.
Other names: c.8623C>T, p.Leu2875= (NM_005933.4).
Identifiers: ClinVar variation 713632 (VCV000713632.37), dbSNP rs150502030, ClinGen allele CA6304515.
Genomic context (GRCh38, chr11:118,504,524, plus strand): 5'-AAGAATACTCCATCCATGCAGGCTTTGGGTGAGAGCCCAGAGTCATCTTCATCAGAACTC[C>T]TGAATCTTGGTGAAGGATTGGGTCTTGACAGTAATCGTGAAAAAGACATGGGTCTTTTTG-3'
Protein context (NP_001184033.1, residues 2868-2888): ESPESSSSEL[Leu2878=]NLGEGLGLDS

ClinVar aggregate classification (germline): Benign/Likely benign. Review status: criteria provided, multiple submitters, no conflicts (2 of 4 stars). 5 submissions from 5 submitters: Benign (1); Likely benign (3). 1 of the submissions does not count toward it. Last evaluated 2026-09-01.

Conditions:
KMT2A-related disorder. Also called: KMT2A-related condition.

Allele frequency attached by ClinVar (database versions not stated): ExAC 0.00018; gnomAD 0.00019 and 0.00021; gnomAD exomes 0.00022 and 0.00027; TOPMed 0.00029; ESP Exome Variant Server 0.00031.
gnomAD v4.1: 436 of 1,614,202 alleles (0.027%); highest among the groups gnomAD compares: Middle Eastern, 0.099%; no homozygotes.

Submissions (5):

CeGaT Center for Human Genetics Tuebingen
Classification: Likely benign. Last evaluated: 2026-09-01. Review status: criteria provided, single submitter. Criteria: CeGaT Center For Human Genetics Tuebingen Variant Classification Criteria Version 2. Collection method: clinical testing. Allele origin: germline. Affected: yes. Observed: 4 variant alleles.
Comment: KMT2A: BP4, BP7

Labcorp Genetics (formerly Invitae), Labcorp
Classification: Likely benign. Last evaluated: 2026-01-28. Review status: criteria provided, single submitter. Criteria: Invitae Variant Classification Sherloc (09022015). Collection method: clinical testing. Allele origin: germline.

Blueprint Genetics
Classification: Likely benign. Last evaluated: 2024-10-18. Review status: criteria provided, single submitter. Criteria: ACMG Guidelines, 2015. Collection method: clinical testing. Allele origin: germline.

GeneDx
Classification: Benign. Last evaluated: 2020-12-02. Review status: criteria provided, single submitter. Criteria: GeneDx Variant Classification Process June 2021. Collection method: clinical testing. Allele origin: germline. Affected: yes.

PreventionGenetics, part of Exact Sciences
Classification: Likely benign for KMT2A-related condition. Last evaluated: 2024-02-20. Review status: no assertion criteria provided. Collection method: clinical testing. Allele origin: germline. Not counted in ClinVar's aggregate classification.
Comment: This variant is classified as likely benign based on ACMG/AMP sequence variant interpretation guidelines (Richards et al. 2015 PMID: 25741868, with internal and published modifications).